The following is an entry in ClinVar:

ClinVar aggregate classification (germline): Likely benign. Review status: criteria provided, multiple submitters, no conflicts (2 of 4 stars). 2 submissions from 2 submitters: Likely benign (2). Last evaluated 2026-01-28.

Conditions:
Familial hemophagocytic lymphohistiocytosis 2 (FHL2). Also called: PRF1-Related Familial Hemophagocytic Lymphohistiocytosis (PRF1-fHLH). Identifiers: Orphanet 540, MedGen C1863727, MONDO:0011337, OMIM 603553.

Allele frequency attached by ClinVar (database versions not stated): gnomAD exomes 0.00003; ESP Exome Variant Server 0.00023; gnomAD 0.00038 and 0.00041.

Submissions (2):

Labcorp Genetics (formerly Invitae), Labcorp
Classification: Likely benign for Familial hemophagocytic lymphohistiocytosis 2. Last evaluated: 2026-01-28. Review status: criteria provided, single submitter. Criteria: Invitae Variant Classification Sherloc (09022015). Collection method: clinical testing. Allele origin: germline.

Mayo Clinic Laboratories, Mayo Clinic
Classification: Likely benign. Last evaluated: 2025-07-23. Review status: criteria provided, single submitter. Criteria: ACMG Guidelines, 2015. Collection method: clinical testing. Allele origin: germline. Observed: 2 variant alleles.
Comment: BP4, BP7

NM_001083116.3(PRF1):c.1377C>T (p.Pro459=)

Gene: PRF1 (perforin 1; minus strand). Cytogenetic location: 10q22.1.
Variant type: single nucleotide variant.
Coding change: c.1377C>T on transcript NM_001083116.3 (MANE Select); coding-DNA position 1377, C replaced by T.
Protein change: p.Pro459=; no amino-acid change (proline 459 retained).
Molecular consequence: synonymous variant.
Genome position (GRCh38, 1-based): chr10:70,598,344, G>A on the plus strand (C>T on the coding strand, the complement: PRF1 is on the minus strand). VCF-style: chr10-70598344-G-A. GRCh37 (hg19) VCF-style: chr10-72358100-G-A.
Other names: p.Pro459=; c.1377C>T, p.Pro459= (NM_005041.6).
Identifiers: ClinVar variation 1091386 (VCV001091386.10), dbSNP rs2228019, ClinGen allele CA5538758.